The following is an entry in ClinVar:

ClinVar aggregate classification (germline): Likely benign. Review status: criteria provided, multiple submitters, no conflicts (2 of 4 stars). 2 submissions from 2 submitters: Likely benign (2). Last evaluated 2018-06-14.

Allele frequency attached by ClinVar (database versions not stated): gnomAD 0.00472 and 0.00508; TOPMed 0.00490; 1000 Genomes Project 0.00519; 1000 Genomes Project 30x 0.00578.
gnomAD v4.1: 1,344 of 701,276 alleles (0.19%); highest among the groups gnomAD compares: African/African-American, 1.4%; 9 homozygotes.

Submissions (2):

GeneDx
Classification: Likely benign. Last evaluated: 2018-06-14. Review status: criteria provided, single submitter. Criteria: GeneDx Variant Classification (06012015). Collection method: clinical testing. Allele origin: germline. Affected: yes.
Comment: This variant is considered likely benign or benign based on one or more of the following criteria: it is a conservative change, it occurs at a poorly conserved position in the protein, it is predicted to be benign by multiple in silico algorithms, and/or has population frequency not consistent with disease.

Breakthrough Genomics
Classification: Likely benign. Review status: criteria provided, single submitter. Criteria: ACMG Guidelines, 2015. Collection method: not provided. Allele origin: germline. Inheritance: Autosomal recessive inheritance. Affected: yes.

NM_030962.4(SBF2):c.862-99A>C

Gene: SBF2 (SET binding factor 2; minus strand). Cytogenetic location: 11p15.4.
Variant type: single nucleotide variant.
Coding change: c.862-99A>C on transcript NM_030962.4 (MANE Select); 99 bases into the intron before coding-DNA position 862, A replaced by C.
Molecular consequence: intron variant.
Genome position (GRCh38, 1-based): chr11:9,998,478, T>G on the plus strand (A>C on the coding strand, the complement: SBF2 is on the minus strand). VCF-style: chr11-9998478-T-G. GRCh37 (hg19) VCF-style: chr11-10020025-T-G.
Other names: c.862-99A>C (NM_001386342.1, NM_001386339.1).
Identifiers: ClinVar variation 679040 (VCV000679040.2), dbSNP rs145988551, ClinGen allele CA217654660.